The following is an entry in ClinVar:

NM_017763.6(RNF43):c.667C>T (p.Arg223Cys)

Gene: RNF43 (ring finger protein 43; minus strand). Cytogenetic location: 17q22.
Variant type: single nucleotide variant.
Coding change: c.667C>T on transcript NM_017763.6 (MANE Select); coding-DNA position 667, C replaced by T.
Protein change: p.Arg223Cys; replaces arginine 223 with cysteine.
Molecular consequence: missense variant.
Genome position (GRCh38, 1-based): chr17:58,362,564, G>A on the plus strand (C>T on the coding strand, the complement: RNF43 is on the minus strand). VCF-style: chr17-58362564-G-A. GRCh37 (hg19) VCF-style: chr17-56439925-G-A.
Other names: c.667C>T, p.Arg223Cys (NM_001305544.3); c.286C>T, p.Arg96Cys (NM_001305545.2); short protein forms R223C, R96C.
Identifiers: ClinVar variation 936200 (VCV000936200.15), dbSNP rs755478993, ClinGen allele CA8673353.

ClinVar aggregate classification (germline): Uncertain significance. Review status: criteria provided, multiple submitters, no conflicts (2 of 4 stars). 6 submissions from 6 submitters: Uncertain significance (6). Last evaluated 2026-01-21.

Conditions:
Inherited polyposis and early onset colorectal cancer - germline testing.
Sessile serrated polyposis cancer syndrome (SSPCS). Identifiers: Orphanet 157798, MedGen C4310714, MONDO:0014919, OMIM 617108.

Allele frequency attached by ClinVar (database versions not stated): gnomAD exomes 0.00006 and 0.00012; ExAC 0.00007; gnomAD 0.00009 and 0.00010; TOPMed 0.00012.
gnomAD v4.1: 183 of 1,607,156 alleles (0.011%); highest among the groups gnomAD compares: East Asian, 0.02%; no homozygotes.

Submissions (6):

Genomics and Molecular Medicine Service, East Genomic Laboratory Hub, NHS Genomic Medicine Service
Classification: Uncertain significance for Inherited polyposis and early onset colorectal cancer - germline testing. Last evaluated: 2026-01-21. Review status: criteria provided, single submitter. Criteria: ACGS Best Practice Guidelines for Variant Classification in Rare Disease 2020. Collection method: clinical testing. Allele origin: germline. Affected: yes.
Comment: BP4

Labcorp Genetics (formerly Invitae), Labcorp
Classification: Uncertain significance. Last evaluated: 2025-12-16. Review status: criteria provided, single submitter. Criteria: Invitae Variant Classification Sherloc (09022015). Collection method: clinical testing. Allele origin: germline.
Comment: This sequence change replaces arginine, which is basic and polar, with cysteine, which is neutral and slightly polar, at codon 223 of the RNF43 protein (p.Arg223Cys). This variant is present in population databases (rs755478993, gnomAD 0.01%). This variant has not been reported in the literature in individuals affected with RNF43-related conditions. ClinVar contains an entry for this variant (Variation ID: 936200). An algorithm developed to predict the effect of missense changes on protein structure and function (PolyPhen-2) suggests that this variant is likely to be tolerated. In summary, the available evidence is currently insufficient to determine the role of this variant in disease. Therefore, it has been classified as a Variant of Uncertain Significance.

Ambry Genetics
Classification: Uncertain significance. Last evaluated: 2025-01-14. Review status: criteria provided, single submitter. Criteria: Ambry Variant Classification Scheme 2023. Collection method: clinical testing. Allele origin: germline.
Comment: The p.R223C variant (also known as c.667C>T), located in coding exon 5 of the RNF43 gene, results from a C to T substitution at nucleotide position 667. The arginine at codon 223 is replaced by cysteine, an amino acid with highly dissimilar properties. This amino acid position is well conserved in available vertebrate species. In addition, this alteration is predicted to be tolerated by in silico analysis. The evidence for this gene-disease relationship is limited; therefore, the clinical significance of this alteration is unclear.

Baylor Genetics
Classification: Uncertain significance for Sessile serrated polyposis cancer syndrome. Last evaluated: 2024-03-05. Review status: criteria provided, single submitter. Criteria: ACMG Guidelines, 2015. Collection method: clinical testing. Allele origin: unknown.

Fulgent Genetics
Classification: Uncertain significance for Sessile serrated polyposis cancer syndrome. Last evaluated: 2024-02-29. Review status: criteria provided, single submitter. Criteria: ACMG Guidelines, 2015. Collection method: clinical testing. Allele origin: germline.

GeneDx
Classification: Uncertain significance. Last evaluated: 2023-12-10. Review status: criteria provided, single submitter. Criteria: GeneDx Variant Classification Process June 2021. Collection method: clinical testing. Allele origin: germline. Affected: yes.
Comment: In silico analysis supports that this missense variant has a deleterious effect on protein structure/function; Has not been previously published as pathogenic or benign to our knowledge; Variants in candidate genes are classified as variants of uncertain significance in accordance with ACMG guidelines (PMID: 25741868)